The following is an entry in ClinVar:

ClinVar aggregate classification (germline): Likely pathogenic (1 of 4 stars; one submission).

Conditions:
Autosomal recessive limb-girdle muscular dystrophy type 2A (LGMDR1). Also called: Limb-girdle muscular dystrophy, type 2A; Calpainopathy; LEYDEN-MOEBIUS MUSCULAR DYSTROPHY; MUSCULAR DYSTROPHY, PELVOFEMORAL; Muscular dystrophy, limb-girdle, type 2A, Amish. Identifiers: Orphanet 267, MedGen C1869123, MONDO:0009675, OMIM 253600. Disease mechanism: loss of function.

Submission:

Myriad Genetics, Inc.
Classification: Likely pathogenic for Autosomal recessive limb-girdle muscular dystrophy type 2A. Last evaluated: 2020-03-08. Review status: criteria provided, single submitter. Criteria: Myriad Women's Health Autosomal Recessive and X-Linked Classification Criteria (2019). Collection method: clinical testing. Allele origin: unknown.
Comment: NM_000070.2(CAPN3):c.343G>T(G115*) is expected to be pathogenic in the context of calpainopathy. This variant is predicted to lead to an abnormal or absent protein product due to the creation of a premature termination codon in CAPN3, a gene where loss-of-function variants are known to be pathogenic. Please note: this variant was assessed in the context of healthy population screening.

NM_000070.3(CAPN3):c.343G>T (p.Gly115Ter)

Gene: CAPN3 (calpain 3; plus strand). Cytogenetic location: 15q15.1.
Variant type: single nucleotide variant.
Coding change: c.343G>T on transcript NM_000070.3 (MANE Select); coding-DNA position 343, G replaced by T.
Protein change: p.Gly115Ter; replaces glycine 115 with a stop codon.
Molecular consequence: nonsense.
Genome position (GRCh38, 1-based): chr15:42,384,516, G>T. VCF-style: chr15-42384516-G-T. GRCh37 (hg19) VCF-style: chr15-42676714-G-T.
Other names: c.343G>T, p.Gly115Ter (NM_024344.2, NM_173087.2); short protein forms G115*.
Identifiers: ClinVar variation 983851 (VCV000983851.3), dbSNP rs2053335168, ClinGen allele CA391997375.